The following is an entry in ClinVar:

NM_016008.4(DYNC2LI1):c.961G>T (p.Glu321Ter)

Gene: DYNC2LI1 (dynein cytoplasmic 2 light intermediate chain 1; plus strand). Cytogenetic location: 2p21.
Variant type: single nucleotide variant.
Coding change: c.961G>T on transcript NM_016008.4 (MANE Select); coding-DNA position 961, G replaced by T.
Protein change: p.Glu321Ter; replaces glutamic acid 321 with a stop codon.
Molecular consequence: nonsense.
Genome position (GRCh38, 1-based): chr2:43,805,214, G>T. VCF-style: chr2-43805214-G-T. GRCh37 (hg19) VCF-style: chr2-44032353-G-T.
Other names: c.964G>T, p.Glu322Ter (NM_001193464.2, NM_001348913.2); c.961G>T, p.Glu321Ter (NM_001348912.2); short protein forms E322*, E321*.
Identifiers: ClinVar variation 2058731 (VCV002058731.1), dbSNP rs1666206875, ClinGen allele CA346661145.
Genomic context (GRCh38, chr2:43,805,214, plus strand): 5'-AGTATTAACACGCTGAAAGATATCAAGGACCCTGCGAGAGATCCTCAGTATGCTGAAAAT[G>T]AAGTCGATGAGATGAGAATTCAGAAGGATCTGGTATTATCCTAAACATTTACTTAATTTC-3'

ClinVar aggregate classification (germline): Likely pathogenic (1 of 4 stars; one submission).

Submission:

Labcorp Genetics (formerly Invitae), Labcorp
Classification: Likely pathogenic. Last evaluated: 2022-09-13. Review status: criteria provided, single submitter. Criteria: Invitae Variant Classification Sherloc (09022015). Collection method: clinical testing. Allele origin: germline.
Comment: This sequence change creates a premature translational stop signal (p.Glu321*) in the DYNC2LI1 gene. While this is not anticipated to result in nonsense mediated decay, it is expected to disrupt the last 31 amino acid(s) of the DYNC2LI1 protein. This variant is not present in population databases (gnomAD no frequency). This variant has not been reported in the literature in individuals affected with DYNC2LI1-related conditions. Algorithms developed to predict the effect of sequence changes on RNA splicing suggest that this variant may disrupt the consensus splice site. This variant disrupts a region of the DYNC2LI1 protein in which other variant(s) (p.Glu334*) have been observed in individuals with DYNC2LI1-related conditions (PMID: 26077881). This suggests that this is a clinically significant region of the protein, and that variants that disrupt it are likely to be disease-causing. In summary, the currently available evidence indicates that the variant is pathogenic, but additional data are needed to prove that conclusively. Therefore, this variant has been classified as Likely Pathogenic.

Literature cited by the submitters: PubMed 26077881.